The following is an entry in ClinVar:

ClinVar aggregate classification (germline): Uncertain significance (1 of 4 stars; one submission).

Allele frequency attached by ClinVar (database versions not stated): gnomAD exomes below 0.00001; TOPMed below 0.00001.
gnomAD v4.1: 2 of 1,601,758 alleles (0.00012%); highest among the groups gnomAD compares: Non-Finnish European, 0.00017%; no homozygotes.

Submission:

Labcorp Genetics (formerly Invitae), Labcorp
Classification: Uncertain significance. Last evaluated: 2023-07-29. Review status: criteria provided, single submitter. Criteria: Invitae Variant Classification Sherloc (09022015). Collection method: clinical testing. Allele origin: germline.
Comment: This sequence change replaces aspartic acid, which is acidic and polar, with glutamic acid, which is acidic and polar, at codon 951 of the PITPNM3 protein (p.Asp951Glu). This variant is not present in population databases (gnomAD no frequency). This variant has not been reported in the literature in individuals affected with PITPNM3-related conditions. An algorithm developed to predict the effect of missense changes on protein structure and function (PolyPhen-2) suggests that this variant is likely to be tolerated. In summary, the available evidence is currently insufficient to determine the role of this variant in disease. Therefore, it has been classified as a Variant of Uncertain Significance.

NM_031220.4(PITPNM3):c.2853C>G (p.Asp951Glu)

Gene: PITPNM3 (PITPNM family member 3; minus strand). Cytogenetic location: 17p13.2.
Variant type: single nucleotide variant.
Coding change: c.2853C>G on transcript NM_031220.4 (MANE Select); coding-DNA position 2853, C replaced by G.
Protein change: p.Asp951Glu; replaces aspartic acid 951 with glutamic acid.
Molecular consequence: missense variant.
Genome position (GRCh38, 1-based): chr17:6,455,410, G>C on the plus strand (C>G on the coding strand, the complement: PITPNM3 is on the minus strand). VCF-style: chr17-6455410-G-C. GRCh37 (hg19) VCF-style: chr17-6358730-G-C.
Other names: c.2745C>G, p.Asp915Glu (NM_001165966.2); short protein forms D951E, D915E.
Identifiers: ClinVar variation 2876303 (VCV002876303.3), dbSNP rs1914043647, ClinGen allele CA397399646.